The following is an entry in ClinVar:

ClinVar aggregate classification (germline): Uncertain significance (1 of 4 stars; one submission).

Conditions:
EPILEPSY, CHILDHOOD ABSENCE, SUSCEPTIBILITY TO, 2 (ECA2). Identifiers: Orphanet 64280, MedGen C1843244, OMIM 607681.
Febrile seizures, familial, 8 (FEB8). Also called: CONVULSIONS, FAMILIAL FEBRILE, 8. Identifiers: Orphanet 36387, MedGen C1969810, MONDO:0011891, OMIM 607681.

Allele frequency attached by ClinVar (database versions not stated): gnomAD 0.00001; gnomAD exomes 0.00001; ExAC 0.00002; TOPMed 0.00002.
gnomAD v4.1: 14 of 1,613,842 alleles (0.00087%); highest among the groups gnomAD compares: East Asian, 0.011%; no homozygotes.

Submission:

Labcorp Genetics (formerly Invitae), Labcorp
Classification: Uncertain significance for Febrile seizures, familial, 8; EPILEPSY, CHILDHOOD ABSENCE, SUSCEPTIBILITY TO, 2. Last evaluated: 2025-08-21. Review status: criteria provided, single submitter. Criteria: Invitae Variant Classification Sherloc (09022015). Collection method: clinical testing. Allele origin: germline.
Comment: This sequence change replaces arginine, which is basic and polar, with glutamine, which is neutral and polar, at codon 224 of the GABRG2 protein (p.Arg224Gln). This variant is present in population databases (rs776456366, gnomAD 0.03%). This variant has not been reported in the literature in individuals affected with GABRG2-related conditions. ClinVar contains an entry for this variant (Variation ID: 1921930). Invitae Evidence Modeling of protein sequence and biophysical properties (such as structural, functional, and spatial information, amino acid conservation, physicochemical variation, residue mobility, and thermodynamic stability) has been performed for this missense variant. However, the output from this modeling did not meet the statistical confidence thresholds required to predict the impact of this variant on GABRG2 protein function. In summary, the available evidence is currently insufficient to determine the role of this variant in disease. Therefore, it has been classified as a Variant of Uncertain Significance.

NM_198904.4(GABRG2):c.671G>A (p.Arg224Gln)

Gene: GABRG2 (gamma-aminobutyric acid type A receptor subunit gamma2; plus strand). Cytogenetic location: 5q34.
Variant type: single nucleotide variant.
Coding change: c.671G>A on transcript NM_198904.4 (MANE Select); coding-DNA position 671, G replaced by A.
Protein change: p.Arg224Gln; replaces arginine 224 with glutamine.
Molecular consequence: missense variant.
Genome position (GRCh38, 1-based): chr5:162,103,928, G>A. VCF-style: chr5-162103928-G-A. GRCh37 (hg19) VCF-style: chr5-161530934-G-A.
Other names: c.671G>A, p.Arg224Gln (NM_000816.3, NM_001375340.1, NM_001375341.1 and 2 more transcripts); c.662G>A, p.Arg221Gln (NM_001375339.1); c.791G>A, p.Arg264Gln (NM_001375343.1, NM_198903.2); c.605G>A, p.Arg202Gln (NM_001375345.1, NM_001375346.1); c.584G>A, p.Arg195Gln (NM_001375347.1); c.251G>A, p.Arg84Gln (NM_001375348.1, NM_001375350.1); c.386G>A, p.Arg129Gln (NM_001375349.1); short protein forms R264Q, R129Q, R202Q, R221Q, R224Q, R195Q, R84Q.
Identifiers: ClinVar variation 1921930 (VCV001921930.5), dbSNP rs776456366, ClinGen allele CA3544799.
Genomic context (GRCh38, chr5:162,103,928, plus strand): 5'-AGCTTTCCTATCTCACGGCAGATGGCTATCCACGTGAAGAAATTGTTTATCAATGGAAGC[G>A]AAGTTCTGTTGAAGTGGGCGACACAAGATCCTGGAGGCTTTATCAATTCTCATTTGTTGG-3'
Protein context (NP_944494.1, residues 214-234): PREEIVYQWK[Arg224Gln]SSVEVGDTRS